The following is an entry in ClinVar:

ClinVar aggregate classification (germline): Uncertain significance (1 of 4 stars; one submission).

Conditions:
Xeroderma pigmentosum, group E (XPE). Also called: Xeroderma pigmentosum, complementation group E; XERODERMA PIGMENTOSUM V; XP, GROUP E; DDB2-Related Xeroderma Pigmentosum; Xeroderma pigmentosum, group E, DDB-negative subtype; Xeroderma pigmentosum, complementation group E, DDB-negative form. Identifiers: Orphanet 910, MedGen C1848411, MONDO:0010213, OMIM 278740.

Submission:

3billion
Classification: Uncertain significance for Xeroderma pigmentosum, group E. Last evaluated: 2022-01-03. Review status: criteria provided, single submitter. Criteria: ACMG Guidelines, 2015. Collection method: clinical testing. Allele origin: germline. Affected: yes. Observed: 1 homozygote.
Comment: The variant not observed in the gnomAD v2.1.1 dataset (PM2_M). Therefore, this variant is classified as uncertain significance according to the recommendation of ACMG/AMP guideline.

NM_000107.3(DDB2):c.985C>T (p.His329Tyr)

Gene: DDB2 (damage specific DNA binding protein 2; plus strand). Cytogenetic location: 11p11.2.
Variant type: single nucleotide variant.
Coding change: c.985C>T on transcript NM_000107.3 (MANE Select); coding-DNA position 985, C replaced by T.
Protein change: p.His329Tyr; replaces histidine 329 with tyrosine.
Molecular consequence: missense variant. On other transcripts: intron variant (1).
Genome position (GRCh38, 1-based): chr11:47,235,374, C>T. VCF-style: chr11-47235374-C-T. GRCh37 (hg19) VCF-style: chr11-47256925-C-T.
Other names: c.457-2463C>T (NM_001300734.2); short protein forms H329Y.
Identifiers: ClinVar variation 1333415 (VCV001333415.1), dbSNP rs1591001619, ClinGen allele CA380297110.